The following is an entry in ClinVar:

ClinVar aggregate classification (germline): Uncertain significance (1 of 4 stars; one submission).

Allele frequency attached by ClinVar (database versions not stated): gnomAD exomes below 0.00001 and 0.00001; ExAC 0.00003.
gnomAD v4.1: 5 of 1,604,490 alleles (0.00031%); highest among the groups gnomAD compares: Non-Finnish European, 0.00034%; no homozygotes.

Submission:

Labcorp Genetics (formerly Invitae), Labcorp
Classification: Uncertain significance. Last evaluated: 2025-07-07. Review status: criteria provided, single submitter. Criteria: Invitae Variant Classification Sherloc (09022015). Collection method: clinical testing. Allele origin: germline.
Comment: This sequence change replaces serine, which is neutral and polar, with proline, which is neutral and non-polar, at codon 154 of the SAMD11 protein (p.Ser154Pro). The frequency data for this variant in the population databases is considered unreliable, as metrics indicate poor data quality at this position in the gnomAD database. This variant has not been reported in the literature in individuals affected with SAMD11-related conditions. ClinVar contains an entry for this variant (Variation ID: 1370062). An algorithm developed to predict the effect of missense changes on protein structure and function outputs the following: PolyPhen-2: "Benign". The proline amino acid residue is found in multiple mammalian species, which suggests that this missense change does not adversely affect protein function. In summary, the available evidence is currently insufficient to determine the role of this variant in disease. Therefore, it has been classified as a Variant of Uncertain Significance.

NM_001385641.1(SAMD11):c.997T>C (p.Ser333Pro)

Gene: SAMD11 (sterile alpha motif domain containing 11; plus strand). Cytogenetic location: 1p36.33.
Variant type: single nucleotide variant.
Coding change: c.997T>C on transcript NM_001385641.1 (MANE Select); coding-DNA position 997, T replaced by C.
Protein change: p.Ser333Pro; replaces serine 333 with proline.
Molecular consequence: missense variant.
Genome position (GRCh38, 1-based): chr1:939,069, T>C. VCF-style: chr1-939069-T-C. GRCh37 (hg19) VCF-style: chr1-874449-T-C.
Other names: c.997T>C, p.Ser333Pro (NM_001385640.1); c.460T>C, p.Ser154Pro (NM_152486.4); short protein forms S154P, S333P.
Identifiers: ClinVar variation 1370062 (VCV001370062.8), dbSNP rs200848321, ClinGen allele CA502631.